The following is an entry in ClinVar:

NM_018043.7(ANO1):c.2953G>A (p.Val985Ile)

Gene: ANO1 (anoctamin 1; plus strand). Cytogenetic location: 11q13.3.
Variant type: single nucleotide variant.
Coding change: c.2953G>A on transcript NM_018043.7 (MANE Select); coding-DNA position 2953, G replaced by A.
Protein change: p.Val985Ile; replaces valine 985 with isoleucine.
Molecular consequence: missense variant. On other transcripts: non-coding transcript variant (1).
Genome position (GRCh38, 1-based): chr11:70,187,996, G>A. VCF-style: chr11-70187996-G-A. GRCh37 (hg19) VCF-style: chr11-70034102-G-A.
Other names: c.2941G>A, p.Val981Ile (NM_001378095.2, NM_001378093.1, NM_001378094.2); c.2863G>A, p.Val955Ile (NM_001378096.2); c.2776G>A, p.Val926Ile (NM_001378097.2); c.3142G>A, p.Val1048Ile (NM_001378092.1); short protein forms V1048I, V926I, V955I, V981I, V985I.
Identifiers: ClinVar variation 3770631 (VCV003770631.13).

ClinVar aggregate classification (germline): Likely benign (1 of 4 stars; one submission).

gnomAD v4.1: 1,527 of 1,561,310 alleles (0.098%); highest among the groups gnomAD compares: Non-Finnish European, 0.11%; 4 homozygotes.

Submission:

CeGaT Center for Human Genetics Tuebingen
Classification: Likely benign. Last evaluated: 2025-02-01. Review status: criteria provided, single submitter. Criteria: CeGaT Center For Human Genetics Tuebingen Variant Classification Criteria Version 2. Collection method: clinical testing. Allele origin: germline. Affected: yes. Observed: 1 variant allele.
Comment: ANO1: BP4